The following is an entry in ClinVar:

ClinVar aggregate classification (germline): Conflicting classifications of pathogenicity. Review status: criteria provided, conflicting classifications (1 of 4 stars). 3 submissions from 3 submitters: Uncertain significance (1); Likely benign (2). Last evaluated 2025-12-18.

Conditions:
Inborn genetic diseases. Identifiers: MedGen C0950123, MeSH D030342.
Lafora disease. Also called: Progressive Myoclonus Epilepsy, Lafora Type; Epilepsy progressive myoclonic 2. Identifiers: Orphanet 501, MedGen C0751783, MONDO:0009697.

Allele frequency attached by ClinVar (database versions not stated): TOPMed 0.00001; gnomAD exomes 0.00005 and 0.00013; ExAC 0.00012.

Submissions (3):

Labcorp Genetics (formerly Invitae), Labcorp
Classification: Likely benign for Lafora disease. Last evaluated: 2025-12-18. Review status: criteria provided, single submitter. Criteria: Invitae Variant Classification Sherloc (09022015). Collection method: clinical testing. Allele origin: germline.

Ambry Genetics
Classification: Uncertain significance for Inborn genetic diseases. Last evaluated: 2021-10-20. Review status: criteria provided, single submitter. Criteria: Ambry Variant Classification Scheme 2023. Collection method: clinical testing. Allele origin: germline.

GeneDx
Classification: Likely benign. Last evaluated: 2018-03-20. Review status: criteria provided, single submitter. Criteria: GeneDx Variant Classification (06012015). Collection method: clinical testing. Allele origin: germline. Affected: yes.
Comment: This variant is considered likely benign or benign based on one or more of the following criteria: it is a conservative change, it occurs at a poorly conserved position in the protein, it is predicted to be benign by multiple in silico algorithms, and/or has population frequency not consistent with disease.

NM_198586.3(NHLRC1):c.977C>A (p.Thr326Asn)

Gene: NHLRC1 (NHL repeat containing E3 ubiquitin protein ligase 1; minus strand). Cytogenetic location: 6p22.3.
Variant type: single nucleotide variant.
Coding change: c.977C>A on transcript NM_198586.3 (MANE Select); coding-DNA position 977, C replaced by A.
Protein change: p.Thr326Asn; replaces threonine 326 with asparagine.
Molecular consequence: missense variant.
Genome position (GRCh38, 1-based): chr6:18,121,630, G>T on the plus strand (C>A on the coding strand, the complement: NHLRC1 is on the minus strand). VCF-style: chr6-18121630-G-T. GRCh37 (hg19) VCF-style: chr6-18121861-G-T.
Other names: short protein forms T326N.
Identifiers: ClinVar variation 669246 (VCV000669246.12), dbSNP rs770587249, ClinGen allele CA3649893.